The following is an entry in ClinVar:

ClinVar aggregate classification (germline): Uncertain significance (1 of 4 stars; one submission).

Allele frequency attached by ClinVar (database versions not stated): gnomAD exomes below 0.00001.
gnomAD v4.1: 2 of 1,526,034 alleles (0.00013%); highest among the groups gnomAD compares: Non-Finnish European, 0.000088%; no homozygotes.

Submission:

Labcorp Genetics (formerly Invitae), Labcorp
Classification: Uncertain significance. Last evaluated: 2022-10-01. Review status: criteria provided, single submitter. Criteria: Invitae Variant Classification Sherloc (09022015). Collection method: clinical testing. Allele origin: germline.
Comment: In summary, the available evidence is currently insufficient to determine the role of this variant in disease. Therefore, it has been classified as a Variant of Uncertain Significance. Algorithms developed to predict the effect of missense changes on protein structure and function (SIFT, PolyPhen-2, Align-GVGD) all suggest that this variant is likely to be tolerated. This variant has not been reported in the literature in individuals affected with TAOK2-related conditions. This variant is not present in population databases (gnomAD no frequency). This sequence change replaces proline, which is neutral and non-polar, with serine, which is neutral and polar, at codon 1013 of the TAOK2 protein (p.Pro1013Ser).

NM_016151.4(TAOK2):c.3037C>T (p.Pro1013Ser)

Gene: TAOK2 (TAO kinase 2; plus strand). Cytogenetic location: 16p11.2.
Variant type: single nucleotide variant.
Coding change: c.3037C>T on transcript NM_016151.4 (MANE Select); coding-DNA position 3037, C replaced by T.
Protein change: p.Pro1013Ser; replaces proline 1013 with serine.
Molecular consequence: missense variant. On other transcripts: intron variant (1).
Genome position (GRCh38, 1-based): chr16:29,987,309, C>T. VCF-style: chr16-29987309-C-T. GRCh37 (hg19) VCF-style: chr16-29998630-C-T.
Other names: c.2698C>T, p.Pro900Ser (NM_001252043.2); c.2232+805C>T (NM_004783.4); short protein forms P1013S, P900S.
Identifiers: ClinVar variation 1720800 (VCV001720800.5), dbSNP rs1287001693, ClinGen allele CA395497943.